The following continues an entry in ClinVar:

NM_000257.4(MYH7):c.4066G>A (p.Glu1356Lys)

Gene: MYH7. ClinVar aggregate classification (germline): Pathogenic. Pathogenic (1).

Submissions 9 to 14 of 14:

Ambry Genetics
Classification: Pathogenic for Cardiovascular phenotype. Last evaluated: 2023-05-05. Review status: criteria provided, single submitter. Criteria: Ambry Variant Classification Scheme 2023. Collection method: clinical testing. Allele origin: germline. Not counted in ClinVar's aggregate classification.
Comment: The p.E1356K pathogenic mutation (also known as c.4066G>A), located in coding exon 28 of the MYH7 gene, results from a G to A substitution at nucleotide position 4066. The glutamic acid at codon 1356 is replaced by lysine, an amino acid with similar properties. This variant has been reported in several patients with hypertrophic cardiomyopathy (HCM) and has been reported to segregate with disease in several families (Van Driest SL et al. J Am Coll Cardiol. 2004;44:602-10; Perrot A et al. J Mol Med. 2005;83:468-77; Millat G et al. Clin Chim Acta. 2010;411:1983-91; Zou Y et al. Mol Biol Rep. 2013;40:3969-76; Homburger JR et al. Proc Natl Acad Sci U.S.A. 2016;113:6701-6; Walsh R et al. Genet. Med., 2017 Feb;19:192-203; external communication). In functional in vitro and in vivo analyses, this variant has been suggested to adversely affect thick filament assembly in the sarcomere; however, the clinical impact of these findings has not been determined (Armel TZ et al. Biochem Biophys Res Commun. 2010;391:352-6; Wolny M et al. J Biol Chem. 2013;288:31952-62). This variant is considered to be rare based on population cohorts in the Genome Aggregation Database (gnomAD). This amino acid position is highly conserved in available vertebrate species. In addition, this alteration is predicted to be deleterious by in silico analysis. Based on the supporting evidence, this alteration is interpreted as a disease-causing mutation.

Blueprint Genetics
Classification: Pathogenic for MYH7-related disorders. Last evaluated: 2020-11-19. Review status: criteria provided, single submitter. Criteria: ACMG Guidelines, 2015. Collection method: clinical testing. Allele origin: germline. Affected: yes. Observed: 5 variant alleles. Not counted in ClinVar's aggregate classification.

Agnes Ginges Centre for Molecular Cardiology, Centenary Institute
Classification: Pathogenic for Hypertrophic cardiomyopathy 1. Last evaluated: 2019-12-05. Review status: criteria provided, single submitter. Criteria: ACMG Guidelines, 2015. Collection method: research. Allele origin: germline. Inheritance: Autosomal dominant inheritance. Affected: yes. Not counted in ClinVar's aggregate classification.
Comment: This MYH7 Glu1356Lys variant has previously been identified in >15 unrelated HCM cases (see references, ClinVar submissions). The variant has also been reported to segregate in 2 affected families (Standford University, Pers Comm.). A biochemical and biophysical assay has shown that the variant destabilises the protein and impairs filament formation (Armel TZ & Leinwand LA, 2010), whereas expression in adult rat cardiomyocytes suggests that this variant results in improper sarcomeric incorporation however no adverse effects on muscle contraction were observed (Wolny M, et al., 2013). We identified this variant in 2 probands diagnosed with HCM (Ingles et al., 2017; Ross et al., 2017). MYH7 Glu1356Lys is present at a low frequency in the Genome Aggregation Database. Computational tools SIFT, PolyPhen-2, PolyPhen-HCM and MutationTaster predict the variant to be deleterious. In summary, based on this information, we classify MYH7 Glu1356Lys as "pathogenic".

Color Diagnostics, LLC DBA Color Health
Classification: Likely pathogenic for Cardiomyopathy. Last evaluated: 2019-03-22. Review status: criteria provided, single submitter. Criteria: ACMG Guidelines, 2015. Collection method: clinical testing. Allele origin: germline. Not counted in ClinVar's aggregate classification.
Comment: This missense variant is located in the LMM domain of the MYH7 protein, C-terminal tail region that forms the thick filament backbone and interacts with other proteins. Computational prediction tools and conservation analyses suggest that this variant may have deleterious impact on the protein function. Computational splicing tools suggest that this variant may not impact RNA splicing. Experimental functional studies have suggested that this variant may thermodynamically destabilize the protein (PMID: 19913502) and reduce incorporation of the mutant protein into the sarcomeres (PMID: 24047955). However, the variant did not significantly affected muscle contraction (PMID: 24047955). This variant has been reported in multiple individuals affected with hypertrophic cardiomyopathy (PMID: 28771489, 23283745, 22857948, 20800588, 19808356, 15856146, 15358028) and reported to segregate with disease in a family although detailed data are not available (PMID: 22857948). This variant has not been identified in the general population by the Genome Aggregation Database (gnomAD). Based on available evidence, this variant is classified as Likely Pathogenic.

Stanford Center for Inherited Cardiovascular Disease, Stanford University
Classification: Likely pathogenic. Last evaluated: 2012-01-18. Review status: criteria provided, single submitter. Criteria: ACMG Guidelines, 2015. Collection method: provider interpretation. Allele origin: germline. Not counted in ClinVar's aggregate classification.

Laboratory for Molecular Medicine, Mass General Brigham Personalized Medicine
Classification: Uncertain significance. Last evaluated: 2014-03-07. Review status: flagged submission. Collection method: clinical testing. Allele origin: germline. Observed: 2 variant alleles. Not counted in ClinVar's aggregate classification.
Comment: proposed classification - variant undergoing re-assessment, contact laboratory
ClinVar note: Reason: Older and outlier claim with insufficient supporting evidence

Literature cited by the submitters: PubMed 29300372 (cited by ClinGen Cardiomyopathy Variant Curation Expert Panel and Ambry Genetics); PubMed 15358028 (cited by 5 submitters); PubMed 15856146 (cited by 5 submitters); PubMed 19913502 (cited by 4 submitters); PubMed 20800588 (cited by 3 submitters); PubMed 22857948 (cited by 6 submitters); PubMed 24047955 (cited by 5 submitters); PubMed 19808356 (cited by 3 submitters); PubMed 27532257 (cited by 3 submitters); PubMed 23396983 (cited by 3billion and Ambry Genetics); PubMed 30297972 (cited by 3billion and Women's Health and Genetics/Laboratory Corporation of America, LabCorp); PubMed 24704860 (cited by 3billion); PubMed 39237976 (cited by Women's Health and Genetics/Laboratory Corporation of America, LabCorp); PubMed 23283745 (cited by Ambry Genetics and Agnes Ginges Centre for Molecular Cardiology, Centenary Institute); PubMed 26688388 (cited by Ambry Genetics); PubMed 27247418 (cited by Ambry Genetics); PubMed 28408708 (cited by Ambry Genetics and Agnes Ginges Centre for Molecular Cardiology, Centenary Institute); PubMed 28615295 (cited by Ambry Genetics); PubMed 30165862 (cited by Ambry Genetics and Agnes Ginges Centre for Molecular Cardiology, Centenary Institute); PubMed 32344918 (cited by Ambry Genetics); PubMed 23782526 (cited by Agnes Ginges Centre for Molecular Cardiology, Centenary Institute); PubMed 16335287 (cited by Agnes Ginges Centre for Molecular Cardiology, Centenary Institute); PubMed 25351510 (cited by Agnes Ginges Centre for Molecular Cardiology, Centenary Institute); PubMed 31199839 (cited by Agnes Ginges Centre for Molecular Cardiology, Centenary Institute); PubMed 28687478 (cited by Agnes Ginges Centre for Molecular Cardiology, Centenary Institute); PubMed 23074333 (cited by Laboratory for Molecular Medicine, Mass General Brigham Personalized Medicine).